The following is an entry in ClinVar:

ClinVar aggregate classification (germline): Uncertain significance (1 of 4 stars; one submission).

Conditions:
Symmetrical dyschromatosis of extremities (DSH). Also called: Dyschromatosis symmetrica hereditaria; DYSCHROMATOSIS SYMMETRICA HEREDITARIA 1; RETICULATE ACROPIGMENTATION OF DOHI; SYMMETRIC DYSCHROMATOSIS OF THE EXTREMITIES. Identifiers: Orphanet 41, MedGen C0406775, MONDO:0007483, OMIM 127400.
Aicardi-Goutieres syndrome 6 (AGS6). Identifiers: Orphanet 51, MedGen C3539013, MONDO:0014007, OMIM 615010.

Allele frequency attached by ClinVar (database versions not stated): gnomAD exomes 0.00001; TOPMed 0.00002.
gnomAD v4.1: 22 of 1,614,166 alleles (0.0014%); highest among the groups gnomAD compares: East Asian, 0.0067%; no homozygotes.

Submission:

Labcorp Genetics (formerly Invitae), Labcorp
Classification: Uncertain significance for Aicardi-Goutieres syndrome 6; Symmetrical dyschromatosis of extremities. Last evaluated: 2023-12-11. Review status: criteria provided, single submitter. Criteria: Invitae Variant Classification Sherloc (09022015). Collection method: clinical testing. Allele origin: germline.
Comment: This sequence change replaces arginine, which is basic and polar, with histidine, which is basic and polar, at codon 1174 of the ADAR protein (p.Arg1174His). This variant is present in population databases (no rsID available, gnomAD 0.0009%). This variant has not been reported in the literature in individuals affected with ADAR-related conditions. ClinVar contains an entry for this variant (Variation ID: 580266). Advanced modeling of protein sequence and biophysical properties (such as structural, functional, and spatial information, amino acid conservation, physicochemical variation, residue mobility, and thermodynamic stability) has been performed at Invitae for this missense variant, however the output from this modeling did not meet the statistical confidence thresholds required to predict the impact of this variant on ADAR protein function. In summary, the available evidence is currently insufficient to determine the role of this variant in disease. Therefore, it has been classified as a Variant of Uncertain Significance.

NM_001111.5(ADAR):c.3521G>A (p.Arg1174His)

Gene: ADAR (adenosine deaminase RNA specific; minus strand). Cytogenetic location: 1q21.3.
Variant type: single nucleotide variant.
Coding change: c.3521G>A on transcript NM_001111.5 (MANE Select); coding-DNA position 3521, G replaced by A.
Protein change: p.Arg1174His; replaces arginine 1174 with histidine.
Molecular consequence: missense variant.
Genome position (GRCh38, 1-based): chr1:154,584,966, C>T on the plus strand (G>A on the coding strand, the complement: ADAR is on the minus strand). VCF-style: chr1-154584966-C-T. GRCh37 (hg19) VCF-style: chr1-154557442-C-T.
Other names: c.3521G>A, p.Arg1174His (LRG_1212t1); c.2636G>A, p.Arg879His (NM_001025107.3, NM_001193495.2, NM_001365046.1 and 2 more transcripts); c.3548G>A, p.Arg1183His (NM_001365045.1); c.2558G>A, p.Arg853His (NM_001365049.1); c.3443G>A, p.Arg1148His (NM_015840.4); c.3386G>A, p.Arg1129His (NM_015841.4); short protein forms R1174H, R879H, R1183H, R853H, R1129H, R1148H.
Identifiers: ClinVar variation 580266 (VCV000580266.8), dbSNP rs866441514, ClinGen allele CA30848659.